The following is an entry in ClinVar:

ClinVar aggregate classification (germline): Uncertain significance. Review status: criteria provided, multiple submitters, no conflicts (2 of 4 stars). 2 submissions from 2 submitters: Uncertain significance (2). Last evaluated 2025-04-28.

gnomAD v4.1: 289 of 1,600,222 alleles (0.018%); highest among the groups gnomAD compares: Non-Finnish European, 0.024%; no homozygotes.

Submissions (2):

Labcorp Genetics (formerly Invitae), Labcorp
Classification: Uncertain significance. Last evaluated: 2025-04-28. Review status: criteria provided, single submitter. Criteria: Invitae Variant Classification Sherloc (09022015). Collection method: clinical testing. Allele origin: germline.
Comment: This sequence change replaces arginine, which is basic and polar, with serine, which is neutral and polar, at codon 633 of the CEP97 protein (p.Arg633Ser). This variant is present in population databases (rs769221416, gnomAD 0.007%). This variant has not been reported in the literature in individuals affected with CEP97-related conditions. ClinVar contains an entry for this variant (Variation ID: 2047303). Invitae Evidence Modeling of protein sequence and biophysical properties (such as structural, functional, and spatial information, amino acid conservation, physicochemical variation, residue mobility, and thermodynamic stability) indicates that this missense variant is not expected to disrupt CEP97 protein function with a negative predictive value of 80%. In summary, the available evidence is currently insufficient to determine the role of this variant in disease. Therefore, it has been classified as a Variant of Uncertain Significance.

Ambry Genetics
Classification: Uncertain significance. Last evaluated: 2025-04-02. Review status: criteria provided, single submitter. Criteria: Ambry Variant Classification Scheme 2023. Collection method: clinical testing. Allele origin: germline.

NM_024548.4(CEP97):c.1899G>T (p.Arg633Ser)

Gene: CEP97 (centrosomal protein 97; plus strand). Cytogenetic location: 3q12.3.
Variant type: single nucleotide variant.
Coding change: c.1899G>T on transcript NM_024548.4 (MANE Select); coding-DNA position 1899, G replaced by T.
Protein change: p.Arg633Ser; replaces arginine 633 with serine.
Molecular consequence: missense variant.
Genome position (GRCh38, 1-based): chr3:101,764,852, G>T. VCF-style: chr3-101764852-G-T. GRCh37 (hg19) VCF-style: chr3-101483696-G-T.
Other names: c.1899G>T (NM_024548.2); c.1722G>T, p.Arg574Ser (NM_001303401.2); c.1797G>T, p.Arg599Ser (NM_001410784.1); c.1620G>T, p.Arg540Ser (NM_001410785.1); short protein forms R599S, R540S, R633S, R574S.
Identifiers: ClinVar variation 2047303 (VCV002047303.5), dbSNP rs769221416, ClinGen allele CA2522241.